The following is an entry in ClinVar:

NM_000454.5(SOD1):c.56T>C (p.Ile19Thr)

Genes: SOD1 (superoxide dismutase 1; plus strand), SOD1-DT (SOD1 divergent transcript; minus strand). Cytogenetic location: 21q22.11.
Variant type: single nucleotide variant.
Coding change: c.56T>C on transcript NM_000454.5 (MANE Select); coding-DNA position 56, T replaced by C.
Protein change: p.Ile19Thr; replaces isoleucine 19 with threonine.
Molecular consequence: missense variant.
Genome position (GRCh38, 1-based): chr21:31,659,825, T>C. VCF-style: chr21-31659825-T-C. GRCh37 (hg19) VCF-style: chr21-33032138-T-C.
Other names: short protein forms I19T.
Identifiers: ClinVar variation 652612 (VCV000652612.11), dbSNP rs1601153438, ClinGen allele CA410036046.
Genomic context (GRCh38, chr21:31,659,825, plus strand): 5'-GAGTTATGGCGACGAAGGCCGTGTGCGTGCTGAAGGGCGACGGCCCAGTGCAGGGCATCA[T>C]CAATTTCGAGCAGAAGGCAAGGGCTGGGACGGAGGCTTGTTTGCGAGGCCGCTCCCACCC-3'
Protein context (NP_000445.1, residues 9-29): LKGDGPVQGI[Ile19Thr]NFEQKESNGP

ClinVar aggregate classification (germline): Uncertain significance (1 of 4 stars; one submission).

Conditions:
Amyotrophic lateral sclerosis type 1 (ALS1). Also called: AMYOTROPHIC LATERAL SCLEROSIS 1, FAMILIAL. Identifiers: Orphanet 803, MedGen C1862939, MONDO:0007103, OMIM 105400.

Submission:

Labcorp Genetics (formerly Invitae), Labcorp
Classification: Uncertain significance for Amyotrophic lateral sclerosis type 1. Last evaluated: 2022-12-09. Review status: criteria provided, single submitter. Criteria: Invitae Variant Classification Sherloc (09022015). Collection method: clinical testing. Allele origin: germline.
Comment: ClinVar contains an entry for this variant (Variation ID: 652612). In summary, the available evidence is currently insufficient to determine the role of this variant in disease. Therefore, it has been classified as a Variant of Uncertain Significance. Advanced modeling of protein sequence and biophysical properties (such as structural, functional, and spatial information, amino acid conservation, physicochemical variation, residue mobility, and thermodynamic stability) performed at Invitae indicates that this missense variant is expected to disrupt SOD1 protein function. This variant has not been reported in the literature in individuals affected with SOD1-related conditions. This variant is not present in population databases (gnomAD no frequency). This sequence change replaces isoleucine, which is neutral and non-polar, with threonine, which is neutral and polar, at codon 19 of the SOD1 protein (p.Ile19Thr).